The following is an entry in ClinVar:

NM_024675.4(PALB2):c.3484G>A (p.Val1162Met)

Gene: PALB2 (partner and localizer of BRCA2; minus strand). Cytogenetic location: 16p12.2.
Variant type: single nucleotide variant.
Coding change: c.3484G>A on transcript NM_024675.4 (MANE Select); coding-DNA position 3484, G replaced by A.
Protein change: p.Val1162Met; replaces valine 1162 with methionine.
Molecular consequence: missense variant.
Genome position (GRCh38, 1-based): chr16:23,603,536, C>T on the plus strand (G>A on the coding strand, the complement: PALB2 is on the minus strand). VCF-style: chr16-23603536-C-T. GRCh37 (hg19) VCF-style: chr16-23614857-C-T.
Other names: short protein forms V1162M.
Identifiers: ClinVar variation 410133 (VCV000410133.19), dbSNP rs1060502752, ClinGen allele CA16615211.

ClinVar aggregate classification (germline): Uncertain significance. Review status: criteria provided, multiple submitters, no conflicts (2 of 4 stars). 5 submissions from 5 submitters: Uncertain significance (5). Last evaluated 2026-01-28.

Conditions:
Familial cancer of breast. Also called: BREAST CANCER, FAMILIAL; Hereditary breast cancer; hereditary breast carcinoma. Identifiers: Orphanet 227535, MedGen C0346153, MONDO:0016419, OMIM 114480. Disease mechanism: loss of function.
Hereditary cancer-predisposing syndrome. Also called: Tumor predisposition; Hereditary Cancer Syndrome; Hereditary neoplastic syndrome; Neoplastic Syndromes, Hereditary. Identifiers: Orphanet 140162, MedGen C0027672, MeSH D009386, MONDO:0015356.

Allele frequency attached by ClinVar (database versions not stated): gnomAD exomes 0.00001.
gnomAD v4.1: 3 of 1,614,098 alleles (0.00019%); highest among the groups gnomAD compares: Admixed American, 0.005%; no homozygotes.

Submissions (5):

Labcorp Genetics (formerly Invitae), Labcorp
Classification: Uncertain significance for Familial cancer of breast. Last evaluated: 2026-01-28. Review status: criteria provided, single submitter. Criteria: Invitae Variant Classification Sherloc (09022015). Collection method: clinical testing. Allele origin: germline.
Comment: This sequence change replaces valine, which is neutral and non-polar, with methionine, which is neutral and non-polar, at codon 1162 of the PALB2 protein (p.Val1162Met). This variant is present in population databases (no rsID available, gnomAD 0.009%). This variant has not been reported in the literature in individuals affected with PALB2-related conditions. ClinVar contains an entry for this variant (Variation ID: 410133). An algorithm developed to predict the effect of missense changes on protein structure and function (PolyPhen-2) suggests that this variant is likely to be disruptive. In summary, the available evidence is currently insufficient to determine the role of this variant in disease. Therefore, it has been classified as a Variant of Uncertain Significance.

Ambry Genetics
Classification: Uncertain significance for Hereditary cancer-predisposing syndrome. Last evaluated: 2025-04-04. Review status: criteria provided, single submitter. Criteria: Ambry Variant Classification Scheme 2023. Collection method: clinical testing. Allele origin: germline.
Comment: The p.V1162M variant (also known as c.3484G>A), located in coding exon 13 of the PALB2 gene, results from a G to A substitution at nucleotide position 3484. The valine at codon 1162 is replaced by methionine, an amino acid with highly similar properties. This amino acid position is highly conserved in available vertebrate species. In addition, this alteration is predicted to be tolerated by in silico analysis. Since supporting evidence is limited at this time, the clinical significance of this alteration remains unclear.

GeneDx
Classification: Uncertain significance. Last evaluated: 2023-10-04. Review status: criteria provided, single submitter. Criteria: GeneDx Variant Classification Process June 2021. Collection method: clinical testing. Allele origin: germline. Affected: yes.
Comment: Not observed at significant frequency in large population cohorts (gnomAD); In silico analysis supports that this missense variant does not alter protein structure/function; Has not been previously published as pathogenic or benign to our knowledge

Quest Diagnostics Nichols Institute San Juan Capistrano
Classification: Uncertain significance. Last evaluated: 2023-05-11. Review status: criteria provided, single submitter. Criteria: Quest Diagnostics criteria. Collection method: clinical testing. Allele origin: unknown.
Comment: The variant has not been reported in the published literature. The frequency of this variant in the general population, 0.000087 (3/34590 chromosomes), is uninformative in assessment of its pathogenicity. Analysis of this variant using bioinformatics tools for the prediction of the effect of amino acid changes on protein structure and function yielded conflicting predictions that this variant is benign or damaging. Based on the available information, we are unable to determine the clinical significance of this variant.

Color Diagnostics, LLC DBA Color Health
Classification: Uncertain significance for Hereditary cancer-predisposing syndrome. Last evaluated: 2018-08-10. Review status: criteria provided, single submitter. Criteria: ACMG Guidelines, 2015. Collection method: clinical testing. Allele origin: germline.